The following is an entry in ClinVar:

NM_000501.4(ELN):c.163+5G>A

Gene: ELN (elastin; plus strand). Cytogenetic location: 7q11.23.
Variant type: single nucleotide variant.
Coding change: c.163+5G>A on transcript NM_000501.4 (MANE Select); 5 bases into the intron after coding-DNA position 163, G replaced by A.
Molecular consequence: intron variant.
Genome position (GRCh38, 1-based): chr7:74,036,589, G>A. VCF-style: chr7-74036589-G-A. GRCh37 (hg19) VCF-style: chr7-73450919-G-A.
Other names: c.163+5G>A (NM_001081754.3, NM_001081753.3, NM_001278939.2 and 5 more transcripts); c.134-1118G>A (NM_001278914.2, NM_001278917.2, NM_001081752.3 and 1 more transcripts).
Identifiers: ClinVar variation 4755684 (VCV004755684.1).
Genomic context (GRCh38, chr7:74,036,589, plus strand): 5'-CTCTTTCTCTTTCTCTCCCCCCACAGGGGCTGGTCTCGGAGCCCTTGGAGGAGGAGGTGA[G>A]CTCAGAAACCACACTTGTTCATCACTGAAAGGGCCTGGGTTTCACCCGAGCCACATGCAT-3'

ClinVar aggregate classification (germline): Uncertain significance (1 of 4 stars; one submission).

Submission:

GeneDx
Classification: Uncertain significance. Last evaluated: 2025-08-09. Review status: criteria provided, single submitter. Criteria: GeneDx Variant Classification Process June 2021. Collection method: clinical testing. Allele origin: germline. Affected: yes.
Comment: Not observed at significant frequency in large population cohorts (gnomAD); In silico analysis supports a deleterious effect on splicing; Has not been previously published as pathogenic or benign to our knowledge